The following is an entry in ClinVar:

NM_032242.4(PLXNA1):c.1435G>A (p.Val479Met)

Gene: PLXNA1 (plexin A1; plus strand). Cytogenetic location: 3q21.3.
Variant type: single nucleotide variant.
Coding change: c.1435G>A on transcript NM_032242.4 (MANE Select); coding-DNA position 1435, G replaced by A.
Protein change: p.Val479Met; replaces valine 479 with methionine.
Molecular consequence: missense variant.
Genome position (GRCh38, 1-based): chr3:127,003,387, G>A. VCF-style: chr3-127003387-G-A. GRCh37 (hg19) VCF-style: chr3-126722230-G-A.
Other names: short protein forms V479M.
Identifiers: ClinVar variation 2226872 (VCV002226872.5), dbSNP rs769023960, ClinGen allele CA2593243.

ClinVar aggregate classification (germline): Uncertain significance. Review status: criteria provided, single submitter (1 of 4 stars). 2 submissions from 2 submitters: Uncertain significance (1). 1 of the submissions does not count toward it. Last evaluated 2024-03-28.

Conditions:
PLXNA1-related disorder. Also called: PLXNA1-related condition.

Allele frequency attached by ClinVar (database versions not stated): gnomAD 0.00001; ExAC 0.00002; TOPMed 0.00003.
gnomAD v4.1: 13 of 1,611,882 alleles (0.00081%); highest among the groups gnomAD compares: African/African-American, 0.0027%; no homozygotes.

Submissions (2):

Ambry Genetics
Classification: Uncertain significance. Last evaluated: 2024-03-28. Review status: criteria provided, single submitter. Criteria: Ambry Variant Classification Scheme 2023. Collection method: clinical testing. Allele origin: germline.

PreventionGenetics, part of Exact Sciences
Classification: Uncertain significance for PLXNA1-related condition. Last evaluated: 2024-03-01. Review status: no assertion criteria provided. Collection method: clinical testing. Allele origin: germline. Not counted in ClinVar's aggregate classification.
Comment: The PLXNA1 c.1435G>A variant is predicted to result in the amino acid substitution p.Val479Met. To our knowledge, this variant has not been reported in the literature. This variant is reported in 0.0029% of alleles in individuals of Latino descent in gnomAD. At this time, the clinical significance of this variant is uncertain due to the absence of conclusive functional and genetic evidence.